The following is an entry in ClinVar:

NM_000138.5(FBN1):c.2431T>C (p.Cys811Arg)

Gene: FBN1 (fibrillin 1; minus strand). Cytogenetic location: 15q21.1.
Variant type: single nucleotide variant.
Coding change: c.2431T>C on transcript NM_000138.5 (MANE Select); coding-DNA position 2431, T replaced by C.
Protein change: p.Cys811Arg; replaces cysteine 811 with arginine.
Molecular consequence: missense variant.
Genome position (GRCh38, 1-based): chr15:48,495,577, A>G on the plus strand (T>C on the coding strand, the complement: FBN1 is on the minus strand). VCF-style: chr15-48495577-A-G. GRCh37 (hg19) VCF-style: chr15-48787774-A-G.
Other names: c.2431T>C, p.Cys811Arg (NM_001406716.1); short protein forms C811R.
Identifiers: ClinVar variation 2925567 (VCV002925567.3), dbSNP rs2505572133, ClinGen allele CA392334835.

ClinVar aggregate classification (germline): Pathogenic (1 of 4 stars; one submission).

Conditions:
Marfan syndrome (MFS). Also called: MARFAN SYNDROME, TYPE I; Marfan syndrome type 1; Marfan's syndrome; Marfan syndrome, classic; FBN1-Related Marfan Syndrome. Identifiers: Orphanet 284963, Orphanet 558, MedGen C0024796, MONDO:0007947, OMIM 154700.
Familial thoracic aortic aneurysm and aortic dissection (TAAD). Also called: Thoracic aortic aneurysms and dissections. Identifiers: Orphanet 91387, MedGen C4707243, MONDO:0019625.

Submission:

Labcorp Genetics (formerly Invitae), Labcorp
Classification: Pathogenic for Marfan syndrome; Familial thoracic aortic aneurysm and aortic dissection. Last evaluated: 2023-10-24. Review status: criteria provided, single submitter. Criteria: Invitae Variant Classification Sherloc (09022015). Collection method: clinical testing. Allele origin: germline.
Comment: This sequence change replaces cysteine, which is neutral and slightly polar, with arginine, which is basic and polar, at codon 811 of the FBN1 protein (p.Cys811Arg). This variant is not present in population databases (gnomAD no frequency). This missense change has been observed in individual(s) with Marfan syndrome (PMID: 25652356). Advanced modeling of protein sequence and biophysical properties (such as structural, functional, and spatial information, amino acid conservation, physicochemical variation, residue mobility, and thermodynamic stability) performed at Invitae indicates that this missense variant is expected to disrupt FBN1 protein function with a positive predictive value of 95%. This variant affects a cysteine residue in the EGF-like, TGFBP or hybrid motif domains of FBN1. Cysteine residues are believed to be involved in intramolecular disulfide bridges and have been shown to be important for FBN1 protein structure (PMID: 16905551, 19349279). In addition, missense substitutions affecting cysteine residues within these domains are significantly overrepresented among patients with Marfan syndrome (PMID: 16571647, 17701892). This variant disrupts the p.Cys811 amino acid residue in FBN1. Other variant(s) that disrupt this residue have been observed in individuals with FBN1-related conditions (PMID: 15241795, 21542060, 31098894, 34550612), which suggests that this may be a clinically significant amino acid residue. For these reasons, this variant has been classified as Pathogenic.

Literature cited by the submitters: PubMed 25652356; PubMed 16905551; PubMed 19349279; PubMed 16571647; PubMed 17701892; PubMed 15241795; PubMed 21542060; PubMed 31098894; PubMed 34550612.